The following is an entry in ClinVar:

ClinVar aggregate classification (germline): Benign/Likely benign. Review status: criteria provided, multiple submitters, no conflicts (2 of 4 stars). 3 submissions from 3 submitters: Benign (1); Likely benign (2). Last evaluated 2025-01-03.

Conditions:
Lynch syndrome 5 (LYNCH5). Also called: Hereditary non-polyposis colorectal cancer, type 5; Colorectal cancer, hereditary nonpolyposis, type 5. Identifiers: Orphanet 144, MedGen C1833477, MONDO:0013710, OMIM 614350. Disease mechanism: loss of function.
Hereditary nonpolyposis colorectal neoplasms. Identifiers: MedGen C0009405, MeSH D003123.
Hereditary cancer-predisposing syndrome. Also called: Hereditary Cancer Syndrome; Neoplastic Syndromes, Hereditary; Tumor predisposition; Hereditary neoplastic syndrome. Identifiers: Orphanet 140162, MedGen C0027672, MeSH D009386, MONDO:0015356.

Allele frequency attached by ClinVar (database versions not stated): gnomAD exomes below 0.00001; ExAC 0.00001.
gnomAD v4.1: 1 of 1,614,176 alleles (0.000062%); highest among the groups gnomAD compares: African/African-American, 0.0013%; no homozygotes.

Submissions (3):

Myriad Genetics, Inc.
Classification: Benign for Lynch syndrome 5. Last evaluated: 2025-01-03. Review status: criteria provided, single submitter. Criteria: Myriad Autosomal Dominant, Autosomal Recessive and X-Linked Classification Criteria (2023). Collection method: clinical testing. Allele origin: unknown.
Comment: This variant is considered benign. This variant is a silent/synonymous amino acid change and it is not expected to impact splicing.

Color Diagnostics, LLC DBA Color Health
Classification: Likely benign for Hereditary cancer-predisposing syndrome. Last evaluated: 2023-04-10. Review status: criteria provided, single submitter. Criteria: ACMG Guidelines, 2015. Collection method: clinical testing. Allele origin: germline.

Labcorp Genetics (formerly Invitae), Labcorp
Classification: Likely benign for Hereditary nonpolyposis colorectal neoplasms. Last evaluated: 2021-10-29. Review status: criteria provided, single submitter. Criteria: Invitae Variant Classification Sherloc (09022015). Collection method: clinical testing. Allele origin: germline.

NM_000179.3(MSH6):c.3241T>C (p.Leu1081=)

Gene: MSH6 (mutS homolog 6; plus strand). Cytogenetic location: 2p16.3.
Variant type: single nucleotide variant.
Coding change: c.3241T>C on transcript NM_000179.3 (MANE Select); coding-DNA position 3241, T replaced by C.
Protein change: p.Leu1081=; no amino-acid change (leucine 1081 retained).
Molecular consequence: synonymous variant.
Genome position (GRCh38, 1-based): chr2:47,803,488, T>C. VCF-style: chr2-47803488-T-C. GRCh37 (hg19) VCF-style: chr2-48030627-T-C.
Other names: c.2851T>C, p.Leu951= (NM_001281492.2); c.2335T>C, p.Leu779= (NM_001281493.2, NM_001281494.2).
Identifiers: ClinVar variation 1087018 (VCV001087018.12), dbSNP rs776291404, ClinGen allele CA070442.